The following is an entry in ClinVar:

NM_147127.5(EVC2):c.2705A>G (p.Gln902Arg)

Gene: EVC2 (EvC ciliary complex subunit 2; minus strand). Cytogenetic location: 4p16.2.
Variant type: single nucleotide variant.
Coding change: c.2705A>G on transcript NM_147127.5 (MANE Select); coding-DNA position 2705, A replaced by G.
Protein change: p.Gln902Arg; replaces glutamine 902 with arginine.
Molecular consequence: missense variant.
Genome position (GRCh38, 1-based): chr4:5,618,479, T>C on the plus strand (A>G on the coding strand, the complement: EVC2 is on the minus strand). VCF-style: chr4-5618479-T-C. GRCh37 (hg19) VCF-style: chr4-5620206-T-C.
Other names: c.2465A>G, p.Gln822Arg (NM_001166136.2); short protein forms Q822R, Q902R.
Identifiers: ClinVar variation 2291167 (VCV002291167.3), dbSNP rs746349084, ClinGen allele CA2834625.
Genomic context (GRCh38, chr4:5,618,479, plus strand): 5'-GGCCAGCAGCTGGGAGACGGCCCTGCTTCTGTAATCGGCCACTGACAGGTCCATCCTACC[T>C]GCAGCTCAGGGGCAGCCACGGCCTGGTCCAGCTTCACGAACTCTGCTTCTCGCCACGCAG-3'
Protein context (NP_667338.3, residues 892-912): LDQAVAAPEL[Gln902Arg]QQSKVRKSRS

ClinVar aggregate classification (germline): Uncertain significance. Review status: criteria provided, multiple submitters, no conflicts (2 of 4 stars). 2 submissions from 2 submitters: Uncertain significance (2). Last evaluated 2024-06-22.

Conditions:
Ellis-van Creveld syndrome (EVC). Also called: EVC-Related Ellis-van Creveld Syndrome; EVC2-Related Ellis-van Creveld Syndrome; MESOECTODERMAL DYSPLASIA; Chondroectodermal dysplasia. Identifiers: Orphanet 289, MedGen C0013903, MONDO:0009162, OMIM 225500.
Curry-Hall syndrome (WAD). Also called: WEYERS ACRODENTAL DYSOSTOSIS. Identifiers: Orphanet 952, MedGen C0457013, MONDO:0008673, OMIM 193530.
Inborn genetic diseases. Identifiers: MedGen C0950123, MeSH D030342.

Allele frequency attached by ClinVar (database versions not stated): ExAC 0.00001; gnomAD 0.00001; TOPMed 0.00001; gnomAD exomes 0.00002.
gnomAD v4.1: 37 of 1,612,686 alleles (0.0023%); highest among the groups gnomAD compares: East Asian, 0.058%; no homozygotes.

Submissions (2):

Labcorp Genetics (formerly Invitae), Labcorp
Classification: Uncertain significance for Curry-Hall syndrome; Ellis-van Creveld syndrome. Last evaluated: 2024-06-22. Review status: criteria provided, single submitter. Criteria: Invitae Variant Classification Sherloc (09022015). Collection method: clinical testing. Allele origin: germline.
Comment: This sequence change replaces glutamine, which is neutral and polar, with arginine, which is basic and polar, at codon 902 of the EVC2 protein (p.Gln902Arg). This variant is present in population databases (rs746349084, gnomAD 0.02%). This variant has not been reported in the literature in individuals affected with EVC2-related conditions. ClinVar contains an entry for this variant (Variation ID: 2291167). An algorithm developed to predict the effect of missense changes on protein structure and function (PolyPhen-2) suggests that this variant is likely to be disruptive. In summary, the available evidence is currently insufficient to determine the role of this variant in disease. Therefore, it has been classified as a Variant of Uncertain Significance.

Ambry Genetics
Classification: Uncertain significance for Inborn genetic diseases. Last evaluated: 2022-05-25. Review status: criteria provided, single submitter. Criteria: Ambry Variant Classification Scheme 2023. Collection method: clinical testing. Allele origin: germline.